The following is an entry in ClinVar:

NM_004380.3(CREBBP):c.5563_5583del (p.Ile1855_Gln1861del)

Gene: CREBBP (CREB binding lysine acetyltransferase; minus strand). Cytogenetic location: 16p13.3.
Variant type: Deletion.
Coding change: c.5563_5583del on transcript NM_004380.3 (MANE Select); coding-DNA positions 5563 to 5583, 21 bases deleted (ATCCAGCACCGCCTGCAGCAG).
Protein change: p.Ile1855_Gln1861del.
Molecular consequence: inframe deletion.
Genome position (GRCh38, 1-based): chr16:3,729,464-3,729,484, CTGCTGCAGGCGGTGCTGGAT deleted on the plus strand (ATCCAGCACCGCCTGCAGCAG on the coding strand, the reverse complement: CREBBP is on the minus strand); deleting any 21 consecutive bases within chr16:3,729,464-3,729,491 gives the same sequence; the c. name uses the placement nearest the transcript's 3' end. VCF-style (leftmost placement, unchanged base first): chr16-3729463-CCTGCTGCAGGCGGTGCTGGAT-C. GRCh37 (hg19) VCF-style: chr16-3779464-CCTGCTGCAGGCGGTGCTGGAT-C.
Other names: c.5449_5469del, p.Ile1817_Gln1823del (NM_001079846.1).
Identifiers: ClinVar variation 4293853 (VCV004293853.1).

ClinVar aggregate classification (germline): Uncertain significance (1 of 4 stars; one submission).

Conditions:
CREBBP-related disorder. Also called: CREBBP-related condition; CREBBP-related disorders.

Submission:

3billion
Classification: Uncertain significance for CREBBP-related disorder. Last evaluated: 2024-07-25. Review status: criteria provided, single submitter. Criteria: ACMG Guidelines, 2015. Collection method: clinical testing. Allele origin: germline. Affected: yes.
Comment: The variant is not observed in the gnomAD v4.0.0 dataset. Predicted Consequence/Location: Inframe deletion located in a nonrepeat region: predicted to change the length of the protein and disrupt normal protein function. Therefore, this variant is classified as VUS according to the recommendation of ACMG/AMP guideline.